The following is an entry in ClinVar:

NM_003289.4(TPM2):c.640-4A>G

Gene: TPM2 (tropomyosin 2; minus strand). Cytogenetic location: 9p13.3.
Variant type: single nucleotide variant.
Coding change: c.640-4A>G on transcript NM_003289.4 (MANE Select); 4 bases into the intron before coding-DNA position 640, A replaced by G.
Molecular consequence: intron variant.
Genome position (GRCh38, 1-based): chr9:35,684,554, T>C on the plus strand (A>G on the coding strand, the complement: TPM2 is on the minus strand). VCF-style: chr9-35684554-T-C. GRCh37 (hg19) VCF-style: chr9-35684551-T-C.
Other names: c.640-4A>G (NM_213674.1, NM_001301226.2, NM_001301227.2).
Identifiers: ClinVar variation 810374 (VCV000810374.42), dbSNP rs1587955710, ClinGen allele CA915947466.

ClinVar aggregate classification (germline): Uncertain significance (1 of 4 stars; one submission).

Allele frequency attached by ClinVar (database versions not stated): gnomAD exomes below 0.00001.
gnomAD v4.1: 1 of 1,614,146 alleles (0.000062%); highest among the groups gnomAD compares: Non-Finnish European, 0.000085%; no homozygotes.

Submission:

CeGaT Center for Human Genetics Tuebingen
Classification: Uncertain significance. Last evaluated: 2024-01-01. Review status: criteria provided, single submitter. Criteria: CeGaT Center For Human Genetics Tuebingen Variant Classification Criteria Version 2. Collection method: clinical testing. Allele origin: germline. Affected: yes. Observed: 2 variant alleles.
Comment: TPM2: PM2, PP3